The following is an entry in ClinVar:

ClinVar aggregate classification (germline): Uncertain significance (1 of 4 stars; one submission).

Conditions:
Emery-Dreifuss muscular dystrophy 5, autosomal dominant (EDMD5). Also called: EMERY-DREIFUSS MUSCULAR DYSTROPHY 5. Identifiers: Orphanet 261, MedGen C2751805, MONDO:0013072, OMIM 612999.

Allele frequency attached by ClinVar (database versions not stated): gnomAD 0.00001 and 0.00002; gnomAD exomes 0.00001 and 0.00003; ExAC 0.00002; 1000 Genomes Project 0.00040; 1000 Genomes Project 30x 0.00047.
gnomAD v4.1: 11 of 1,613,846 alleles (0.00068%); highest among the groups gnomAD compares: East Asian, 0.02%; no homozygotes.

Submission:

Labcorp Genetics (formerly Invitae), Labcorp
Classification: Uncertain significance for Emery-Dreifuss muscular dystrophy 5, autosomal dominant. Last evaluated: 2022-06-23. Review status: criteria provided, single submitter. Criteria: Invitae Variant Classification Sherloc (09022015). Collection method: clinical testing. Allele origin: germline.
Comment: This variant has not been reported in the literature in individuals affected with SYNE2-related conditions. Algorithms developed to predict the effect of missense changes on protein structure and function output the following: SIFT: "Tolerated"; PolyPhen-2: "Benign"; Align-GVGD: "Class C0". The aspartic acid amino acid residue is found in multiple mammalian species, which suggests that this missense change does not adversely affect protein function. This sequence change replaces asparagine, which is neutral and polar, with aspartic acid, which is acidic and polar, at codon 1437 of the SYNE2 protein (p.Asn1437Asp). In summary, the available evidence is currently insufficient to determine the role of this variant in disease. Therefore, it has been classified as a Variant of Uncertain Significance. This variant is present in population databases (rs554653679, gnomAD 0.04%), and has an allele count higher than expected for a pathogenic variant. ClinVar contains an entry for this variant (Variation ID: 857673).

NM_182914.3(SYNE2):c.4309A>G (p.Asn1437Asp)

Gene: SYNE2 (spectrin repeat containing nuclear envelope protein 2; plus strand). Cytogenetic location: 14q23.2.
Variant type: single nucleotide variant.
Coding change: c.4309A>G on transcript NM_182914.3 (MANE Select); coding-DNA position 4309, A replaced by G.
Protein change: p.Asn1437Asp; replaces asparagine 1437 with aspartic acid.
Molecular consequence: missense variant.
Genome position (GRCh38, 1-based): chr14:64,003,242, A>G. VCF-style: chr14-64003242-A-G. GRCh37 (hg19) VCF-style: chr14-64469960-A-G.
Other names: c.4309A>G, p.Asn1437Asp (NM_015180.6); short protein forms N1437D.
Identifiers: ClinVar variation 857673 (VCV000857673.10), dbSNP rs554653679, ClinGen allele CA7220178.